The following is an entry in ClinVar:

NM_000520.6(HEXA):c.634C>A (p.Pro212Thr)

Gene: HEXA (hexosaminidase subunit alpha; minus strand). Cytogenetic location: 15q23.
Variant type: single nucleotide variant.
Coding change: c.634C>A on transcript NM_000520.6 (MANE Select); coding-DNA position 634, C replaced by A.
Protein change: p.Pro212Thr; replaces proline 212 with threonine.
Molecular consequence: missense variant. On other transcripts: non-coding transcript variant (1).
Genome position (GRCh38, 1-based): chr15:72,351,171, G>T on the plus strand (C>A on the coding strand, the complement: HEXA is on the minus strand). VCF-style: chr15-72351171-G-T. GRCh37 (hg19) VCF-style: chr15-72643512-G-T.
Other names: c.667C>A, p.Pro223Thr (NM_001318825.2); short protein forms P212T, P223T.
Identifiers: ClinVar variation 4884842 (VCV004884842.1).

ClinVar aggregate classification (germline): Pathogenic (0 of 4 stars; one submission).

Conditions:
Tay-Sachs disease (TSD). Also called: HEXA DEFICIENCY; GM2 gangliosidosis, type 1; Hexosaminidase alpha-subunit deficiency (variant B); Sphingolipidosis, Tay-Sachs; Hexosaminidase A Deficiency; HEXA Disorders. Identifiers: Orphanet 845, MedGen C0039373, MONDO:0010100, OMIM 272800.

Submission:

Hong-Tao Li Lab, Institute of Brain Science and Brain-inspired Research, Shandong First Medical University & Shandong Academy of Medical Sciences China
Classification: Pathogenic for Tay-Sachs disease. Review status: no assertion criteria provided. Collection method: research. Allele origin: germline. Inheritance: Autosomal recessive inheritance. Affected: yes. Observed: 1 variant allele, 1 homozygote.
Comment: Observed in affected individuals from a Pakistani neurodevelopmental-disorder research cohort of 263 individuals. Classification assigned using the ACMG/AMP framework.